The following is an entry in ClinVar:

NM_001267550.2(TTN):c.57322G>A (p.Gly19108Arg)

Genes: TTN (titin; minus strand), TTN-AS1 (TTN antisense RNA 1; plus strand). Cytogenetic location: 2q31.2.
Variant type: single nucleotide variant.
Coding change: c.57322G>A on transcript NM_001267550.2 (MANE Select); coding-DNA position 57322, G replaced by A.
Protein change: p.Gly19108Arg; replaces glycine 19108 with arginine.
Molecular consequence: missense variant.
Genome position (GRCh38, 1-based): chr2:178,597,760, C>T on the plus strand (G>A on the coding strand, the complement: TTN is on the minus strand). VCF-style: chr2-178597760-C-T. GRCh37 (hg19) VCF-style: chr2-179462487-C-T.
Other names: c.52399G>A, p.Gly17467Arg (NM_001256850.1); c.30127G>A, p.Gly10043Arg (NM_003319.4); c.49618G>A, p.Gly16540Arg (NM_133378.4); c.30502G>A, p.Gly10168Arg (NM_133432.3); c.30703G>A, p.Gly10235Arg (NM_133437.4); short protein forms G10043R, G10168R, G10235R, G16540R, G17467R, G19108R.
Identifiers: ClinVar variation 4070867 (VCV004070867.1).

ClinVar aggregate classification (germline): Uncertain significance (1 of 4 stars; one submission).

Submission:

GeneDx
Classification: Uncertain significance. Last evaluated: 2025-01-21. Review status: criteria provided, single submitter. Criteria: GeneDx Variant Classification Process June 2021. Collection method: clinical testing. Allele origin: germline. Affected: yes.
Comment: Not observed at significant frequency in large population cohorts (gnomAD); Missense variant in a gene in which most reported pathogenic variants are truncating/loss of function; Has not been previously published as pathogenic or benign to our knowledge